The following is an entry in ClinVar:

NM_000552.5(VWF):c.3127C>T (p.Pro1043Ser)

Gene: VWF (von Willebrand factor; minus strand). Cytogenetic location: 12p13.31.
Variant type: single nucleotide variant.
Coding change: c.3127C>T on transcript NM_000552.5 (MANE Select); coding-DNA position 3127, C replaced by T.
Protein change: p.Pro1043Ser; replaces proline 1043 with serine.
Molecular consequence: missense variant.
Genome position (GRCh38, 1-based): chr12:6,025,675, G>A on the plus strand (C>T on the coding strand, the complement: VWF is on the minus strand). VCF-style: chr12-6025675-G-A. GRCh37 (hg19) VCF-style: chr12-6134841-G-A.
Other names: short protein forms P1043S.
Identifiers: ClinVar variation 4687753 (VCV004687753.1).

ClinVar aggregate classification (germline): Uncertain significance (1 of 4 stars; one submission).

Submission:

Women's Health and Genetics/Laboratory Corporation of America, LabCorp
Classification: Uncertain significance. Last evaluated: 2025-10-27. Review status: criteria provided, single submitter. Criteria: LabCorp Variant Classification Summary - May 2015. Collection method: clinical testing. Allele origin: germline.
Comment: Variant summary: VWF c.3127C>T (p.Pro1043Ser) results in a non-conservative amino acid change in the encoded protein sequence. Algorithms developed to predict the effect of missense changes on protein structure and function are either unavailable or do not agree on the potential impact of this missense change. The variant was absent in 196308 control chromosomes. The available data on variant occurrences in the general population are insufficient to allow any conclusion about variant significance. To our knowledge, no occurrence of c.3127C>T in individuals affected with VWF-related conditions and no experimental evidence demonstrating its impact on protein function have been reported. No submitters have cited clinical-significance assessments for this variant to ClinVar. Based on the evidence outlined above, the variant was classified as uncertain significance.